The following is an entry in ClinVar:

ClinVar aggregate classification (germline): Uncertain significance (1 of 4 stars; one submission).

Conditions:
Neuropathy, hereditary sensory and autonomic, type 2A (HSAN2A). Also called: WNK1-Related HSAN2 (HSAN2A); MORVAN DISEASE; NEUROPATHY, CONGENITAL SENSORY; NEUROPATHY, HEREDITARY SENSORY RADICULAR, AUTOSOMAL RECESSIVE; NEUROPATHY, HEREDITARY SENSORY, TYPE IIA; NEUROPATHY, PROGRESSIVE SENSORY, OF CHILDREN. Identifiers: Orphanet 970, MedGen C2752089, MONDO:0024309, OMIM 201300.
Generalized epilepsy with febrile seizures plus, type 7 (GEFSP7). Also called: GEFS+, TYPE 7. Identifiers: Orphanet 36387, MedGen C2751778, MONDO:0013470, OMIM 613863.

Submission:

Labcorp Genetics (formerly Invitae), Labcorp
Classification: Uncertain significance for Neuropathy, hereditary sensory and autonomic, type 2A; Generalized epilepsy with febrile seizures plus, type 7. Last evaluated: 2024-11-18. Review status: criteria provided, single submitter. Criteria: Invitae Variant Classification Sherloc (09022015). Collection method: clinical testing. Allele origin: germline.
Comment: This sequence change creates a premature translational stop signal (p.Ser1792*) in the SCN9A gene. While this is not anticipated to result in nonsense mediated decay, it is expected to disrupt the last 186 amino acid(s) of the SCN9A protein. This variant is not present in population databases (gnomAD no frequency). This variant has not been reported in the literature in individuals affected with SCN9A-related conditions. ClinVar contains an entry for this variant (Variation ID: 1041882). This variant disrupts the C-terminus of the SCN9A protein. Other variant(s) that disrupt this region (p.Leu1831*) have been observed in individuals with SCN9A-related conditions (PMID: 25995458). This suggests that this may be a clinically significant region of the protein. In summary, the available evidence is currently insufficient to determine the role of this variant in disease. Therefore, it has been classified as a Variant of Uncertain Significance.

Literature cited by the submitters: PubMed 25995458.

NM_001365536.1(SCN9A):c.5408_5409del (p.Leu1802_Ser1803insTer)

Genes: SCN1A-AS1 (SCN1A and SCN9A antisense RNA 1; plus strand), SCN9A (sodium voltage-gated channel alpha subunit 9; minus strand). Cytogenetic location: 2q24.3.
Variant type: Microsatellite.
Coding change: c.5408_5409del on transcript NM_001365536.1 (MANE Select); coding-DNA positions 5408 to 5409, 2 bases deleted (CT; older notation c.5408_5409delCT).
Protein change: p.Leu1802_Ser1803insTer.
Molecular consequence: nonsense. On other transcripts: frameshift variant (1).
Genome position (GRCh38, 1-based): chr2:166,199,230-166,199,231, AG deleted on the plus strand (CT on the coding strand, the reverse complement: SCN9A is on the minus strand); deleting any 2 consecutive bases within chr2:166,199,230-166,199,235 gives the same sequence; the c. name uses the placement nearest the transcript's 3' end. VCF-style (leftmost placement, unchanged base first): chr2-166199229-CAG-C. GRCh37 (hg19) VCF-style: chr2-167055739-CAG-C.
Other names: c.5371_5372CT[2], p.Ser1792Terfs (NM_002977.4).
Identifiers: ClinVar variation 1041882 (VCV001041882.10), dbSNP rs945489250, ClinGen allele CA59783637.
Genomic context (GRCh38, chr2:166,199,229, plus strand): 5'-TGAGCTGGACTTTGTTGGGTTTTGCTATGAGAAGAGGAGGATCCAGGGCAGCTGCAAAAT[CAG>C]AGAGTTTAGAGAACTCTATAAACTGGGTCGCATCGGGATCAAACTTCTCCCAAACCTCAT-3'